The following is an entry in ClinVar:

NM_004370.6(COL12A1):c.5809G>A (p.Ala1937Thr)

Gene: COL12A1 (collagen type XII alpha 1 chain; minus strand). Cytogenetic location: 6q13.
Variant type: single nucleotide variant.
Coding change: c.5809G>A on transcript NM_004370.6 (MANE Select); coding-DNA position 5809, G replaced by A.
Protein change: p.Ala1937Thr; replaces alanine 1937 with threonine.
Molecular consequence: missense variant.
Genome position (GRCh38, 1-based): chr6:75,132,068, C>T on the plus strand (G>A on the coding strand, the complement: COL12A1 is on the minus strand). VCF-style: chr6-75132068-C-T. GRCh37 (hg19) VCF-style: chr6-75841784-C-T.
Other names: c.2317G>A, p.Ala773Thr (NM_080645.3); short protein forms A1937T, A773T.
Identifiers: ClinVar variation 949332 (VCV000949332.12), dbSNP rs1562184031, ClinGen allele CA364733162.

ClinVar aggregate classification (germline): Uncertain significance. Review status: criteria provided, multiple submitters, no conflicts (2 of 4 stars). 2 submissions from 2 submitters: Uncertain significance (2). Last evaluated 2024-12-12.

Conditions:
Ullrich congenital muscular dystrophy 2 (UCMD2). Identifiers: Orphanet 75840, MedGen C4225314, MONDO:0014654, OMIM 616470.
Bethlem myopathy 2 (BTHLM2). Identifiers: Orphanet 536516, Orphanet 610, MedGen C4225313, MONDO:0034022, OMIM 616471.

Allele frequency attached by ClinVar (database versions not stated): gnomAD exomes below 0.00001.
gnomAD v4.1: 5 of 1,613,972 alleles (0.00031%); highest among the groups gnomAD compares: Non-Finnish European, 0.00042%; no homozygotes.

Submissions (2):

Labcorp Genetics (formerly Invitae), Labcorp
Classification: Uncertain significance for Bethlem myopathy 2; Ullrich congenital muscular dystrophy 2. Last evaluated: 2024-12-12. Review status: criteria provided, single submitter. Criteria: Invitae Variant Classification Sherloc (09022015). Collection method: clinical testing. Allele origin: germline.
Comment: This sequence change replaces alanine, which is neutral and non-polar, with threonine, which is neutral and polar, at codon 1937 of the COL12A1 protein (p.Ala1937Thr). This variant is not present in population databases (gnomAD no frequency). This variant has not been reported in the literature in individuals affected with COL12A1-related conditions. ClinVar contains an entry for this variant (Variation ID: 949332). Invitae Evidence Modeling of protein sequence and biophysical properties (such as structural, functional, and spatial information, amino acid conservation, physicochemical variation, residue mobility, and thermodynamic stability) indicates that this missense variant is not expected to disrupt COL12A1 protein function with a negative predictive value of 80%. In summary, the available evidence is currently insufficient to determine the role of this variant in disease. Therefore, it has been classified as a Variant of Uncertain Significance.

Revvity Omics, Revvity
Classification: Uncertain significance. Last evaluated: 2020-05-20. Review status: criteria provided, single submitter. Criteria: ACMG Guidelines, 2015. Collection method: clinical testing. Allele origin: germline.